The following is an entry in ClinVar:

NM_001845.6(COL4A1):c.377A>G (p.Asn126Ser)

Gene: COL4A1 (collagen type IV alpha 1 chain; minus strand). Cytogenetic location: 13q34.
Variant type: single nucleotide variant.
Coding change: c.377A>G on transcript NM_001845.6 (MANE Select); coding-DNA position 377, A replaced by G.
Protein change: p.Asn126Ser; replaces asparagine 126 with serine.
Molecular consequence: missense variant.
Genome position (GRCh38, 1-based): chr13:110,212,427, T>C on the plus strand (A>G on the coding strand, the complement: COL4A1 is on the minus strand). VCF-style: chr13-110212427-T-C. GRCh37 (hg19) VCF-style: chr13-110864774-T-C.
Other names: c.377A>G, p.Asn126Ser (NM_001303110.2); c.377A>G (NM_001845.4, NM_001845.5); short protein forms N126S.
Identifiers: ClinVar variation 1986740 (VCV001986740.9), dbSNP rs1165857721, ClinGen allele CA388726306.

ClinVar aggregate classification (germline): Uncertain significance. Review status: criteria provided, multiple submitters, no conflicts (2 of 4 stars). 3 submissions from 3 submitters: Uncertain significance (3). Last evaluated 2025-10-15.

Conditions:
Inborn genetic diseases. Identifiers: MedGen C0950123, MeSH D030342.
COL4A1-related disorder. Also called: COL4A1-related disorders; COL4A1-related condition. Identifiers: MedGen CN376119, MONDO:0800461.

Allele frequency attached by ClinVar (database versions not stated): gnomAD exomes below 0.00001.
gnomAD v4.1: 2 of 1,613,834 alleles (0.00012%); highest among the groups gnomAD compares: Non-Finnish European, 0.00017%; no homozygotes.

Submissions (3):

Labcorp Genetics (formerly Invitae), Labcorp
Classification: Uncertain significance. Last evaluated: 2025-10-15. Review status: criteria provided, single submitter. Criteria: Invitae Variant Classification Sherloc (09022015). Collection method: clinical testing. Allele origin: germline.
Comment: This sequence change replaces asparagine, which is neutral and polar, with serine, which is neutral and polar, at codon 126 of the COL4A1 protein (p.Asn126Ser). This variant is present in population databases (no rsID available, gnomAD 0.0009%). This variant has not been reported in the literature in individuals affected with COL4A1-related conditions. ClinVar contains an entry for this variant (Variation ID: 1986740). Invitae Evidence Modeling of protein sequence and biophysical properties (such as structural, functional, and spatial information, amino acid conservation, physicochemical variation, residue mobility, and thermodynamic stability) indicates that this missense variant is expected to disrupt COL4A1 protein function with a positive predictive value of 80%. In summary, the available evidence is currently insufficient to determine the role of this variant in disease. Therefore, it has been classified as a Variant of Uncertain Significance.

PreventionGenetics, part of Exact Sciences
Classification: Uncertain significance for COL4A1-related condition. Last evaluated: 2025-08-25. Review status: criteria provided, single submitter. Criteria: ACMG Guidelines, 2015. Collection method: clinical testing. Allele origin: germline.
Comment: The COL4A1 c.377A>G variant is predicted to result in the amino acid substitution p.Asn126Ser. To our knowledge, this variant has not been reported in the literature. This variant is reported in 0.00088% of alleles in individuals of European (Non-Finnish) descent in gnomAD. At this time, the clinical significance of this variant is uncertain due to the absence of conclusive functional and genetic evidence.

Ambry Genetics
Classification: Uncertain significance for Inborn genetic diseases. Last evaluated: 2023-10-17. Review status: criteria provided, single submitter. Criteria: Ambry Variant Classification Scheme 2023. Collection method: clinical testing. Allele origin: germline.